The following is an entry in ClinVar:

ClinVar aggregate classification (germline): Likely pathogenic (1 of 4 stars; one submission).

Conditions:
HERC1-related disorder. Also called: HERC1-related condition.

Submission:

PreventionGenetics, part of Exact Sciences
Classification: Likely pathogenic for HERC1-related condition. Last evaluated: 2025-04-29. Review status: criteria provided, single submitter. Criteria: ACMG Guidelines, 2015. Collection method: clinical testing. Allele origin: germline.
Comment: The HERC1 c.3789_3790delGT variant is predicted to result in premature protein termination (p.Ser1264*). To our knowledge, this variant has not been reported in the literature or in a large population database (gnomAD), indicating this variant is rare. Nonsense variants in HERC1 are expected to be pathogenic. This variant is interpreted as likely pathogenic.

NM_003922.4(HERC1):c.3789_3790del (p.Val1263_Ser1264insTer)

Gene: HERC1 (HECT and RLD domain containing E3 ubiquitin protein ligase family member 1; minus strand). Cytogenetic location: 15q22.31.
Variant type: Microsatellite.
Coding change: c.3789_3790del on transcript NM_003922.4 (MANE Select); coding-DNA positions 3789 to 3790, 2 bases deleted (GT; older notation c.3789_3790delGT).
Protein change: p.Val1263_Ser1264insTer.
Molecular consequence: frameshift variant.
Genome position (GRCh38, 1-based): chr15:63,718,850-63,718,851, AC deleted on the plus strand (GT on the coding strand, the reverse complement: HERC1 is on the minus strand); deleting any 2 consecutive bases within chr15:63,718,850-63,718,854 gives the same sequence; the c. name uses the placement nearest the transcript's 3' end. VCF-style (leftmost placement, unchanged base first): chr15-63718849-GAC-G. GRCh37 (hg19) VCF-style: chr15-64011048-GAC-G.
Identifiers: ClinVar variation 4998169 (VCV004998169.1).
Genomic context (GRCh38, chr15:63,718,849, plus strand): 5'-TCTCCACATGCTTGACTAAGTAAATTTGTGTGTTTCAGAAGAGCTGCAAGAACAAATCTA[GAC>G]ACAGTGTCCAAGAGTGACTCATTACTTAAAGTTGCACTGTCCCAATCTGAAAATAAAAAT-3'